The following is an entry in ClinVar:

NM_001165963.4(SCN1A):c.664C>G (p.Arg222Gly)

Gene: SCN1A (sodium voltage-gated channel alpha subunit 1; minus strand). Cytogenetic location: 2q24.3.
Variant type: single nucleotide variant.
Coding change: c.664C>G on transcript NM_001165963.4 (MANE Select); coding-DNA position 664, C replaced by G.
Protein change: p.Arg222Gly; replaces arginine 222 with glycine.
Molecular consequence: missense variant. On other transcripts: 5 prime UTR variant (1), non-coding transcript variant (1).
Genome position (GRCh38, 1-based): chr2:166,052,882, G>C on the plus strand (C>G on the coding strand, the complement: SCN1A is on the minus strand). VCF-style: chr2-166052882-G-C. GRCh37 (hg19) VCF-style: chr2-166909392-G-C.
Other names: c.664C>G, p.Arg222Gly (NM_001165964.3, NM_001202435.3, NM_001353948.2 and 10 more transcripts); c.-1762C>G (NM_001353961.2); short protein forms R222G.
Identifiers: ClinVar variation 2711932 (VCV002711932.3), dbSNP rs121918624, ClinGen allele CA349074150.

ClinVar aggregate classification (germline): Uncertain significance (1 of 4 stars; one submission).

Conditions:
Early-infantile DEE. Also called: Early infantile epileptic encephalopathy with suppression bursts; Early infantile epileptic encephalopathy; Ohtahara syndrome. Identifiers: Orphanet 1934, MedGen C0393706, MONDO:0800491.

Submission:

Labcorp Genetics (formerly Invitae), Labcorp
Classification: Uncertain significance for Early-infantile DEE. Last evaluated: 2024-09-06. Review status: criteria provided, single submitter. Criteria: Invitae Variant Classification Sherloc (09022015). Collection method: clinical testing. Allele origin: germline.
Comment: This sequence change replaces arginine, which is basic and polar, with glycine, which is neutral and non-polar, at codon 222 of the SCN1A protein (p.Arg222Gly). This variant is not present in population databases (gnomAD no frequency). This variant has not been reported in the literature in individuals affected with SCN1A-related conditions. Invitae Evidence Modeling of protein sequence and biophysical properties (such as structural, functional, and spatial information, amino acid conservation, physicochemical variation, residue mobility, and thermodynamic stability) indicates that this missense variant is expected to disrupt SCN1A protein function with a positive predictive value of 95%. In summary, the available evidence is currently insufficient to determine the role of this variant in disease. Therefore, it has been classified as a Variant of Uncertain Significance.